The following is an entry in ClinVar:

NM_001330078.2(NRXN1):c.881A>G (p.Tyr294Cys)

Gene: NRXN1 (neurexin 1; minus strand). Cytogenetic location: 2p16.3.
Variant type: single nucleotide variant.
Coding change: c.881A>G on transcript NM_001330078.2 (MANE Select); coding-DNA position 881, A replaced by G.
Protein change: p.Tyr294Cys; replaces tyrosine 294 with cysteine.
Molecular consequence: missense variant.
Genome position (GRCh38, 1-based): chr2:50,623,567, T>C on the plus strand (A>G on the coding strand, the complement: NRXN1 is on the minus strand). VCF-style: chr2-50623567-T-C. GRCh37 (hg19) VCF-style: chr2-50850705-T-C.
Other names: c.980A>G, p.Tyr327Cys (NM_001135659.3); c.881A>G, p.Tyr294Cys (NM_001330077.2, NM_001330082.2, NM_001330085.2 and 3 more transcripts); c.821A>G, p.Tyr274Cys (NM_001330083.2, NM_001330084.2, NM_001330087.2 and 1 more transcripts); c.851A>G, p.Tyr284Cys (NM_001330088.2); c.878A>G, p.Tyr293Cys (NM_001330093.2); c.869A>G, p.Tyr290Cys (NM_001330094.2); short protein forms Y327C, Y294C, Y290C, Y293C, Y274C, Y284C.
Identifiers: ClinVar variation 472654 (VCV000472654.11), dbSNP rs781054571, ClinGen allele CA346822626.
Genomic context (GRCh38, chr2:50,623,567, plus strand): 5'-GTTTTAAATGACAGAGTTATTTCATCACTGCTGCTTTGAATGGGGTTTTGAGACAAGTCG[T>C]AGCAGAAGTATTCAGATCCTTTGAACGTGGCAATATATTCTTCTTTTCCTAGAGGAAAAC-3'
Protein context (NP_001317007.1, residues 284-304): ATFKGSEYFC[Tyr294Cys]DLSQNPIQSS

ClinVar aggregate classification (germline): Uncertain significance (1 of 4 stars; one submission).

Conditions:
Pitt-Hopkins-like syndrome 2 (PTHSL2). Identifiers: Orphanet 221150, Orphanet 600663, MedGen C3280479, MONDO:0013690, OMIM 614325.

gnomAD v4.1: 2 of 1,613,230 alleles (0.00012%); highest among the groups gnomAD compares: Admixed American, 0.0017%; no homozygotes.

Submission:

Labcorp Genetics (formerly Invitae), Labcorp
Classification: Uncertain significance for Pitt-Hopkins-like syndrome 2. Last evaluated: 2025-09-27. Review status: criteria provided, single submitter. Criteria: Invitae Variant Classification Sherloc (09022015). Collection method: clinical testing. Allele origin: germline.
Comment: This sequence change replaces tyrosine, which is neutral and polar, with cysteine, which is neutral and slightly polar, at codon 327 of the NRXN1 protein (p.Tyr327Cys). This variant is present in population databases (no rsID available, gnomAD 0.003%). This variant has not been reported in the literature in individuals affected with NRXN1-related conditions. ClinVar contains an entry for this variant (Variation ID: 472654). An algorithm developed to predict the effect of missense changes on protein structure and function (PolyPhen-2) suggests that this variant is likely to be disruptive. In summary, the available evidence is currently insufficient to determine the role of this variant in disease. Therefore, it has been classified as a Variant of Uncertain Significance.